The following is an entry in ClinVar:

ClinVar aggregate classification (germline): Uncertain significance (1 of 4 stars; one submission).

Allele frequency attached by ClinVar (database versions not stated): gnomAD exomes below 0.00001.
gnomAD v4.1: 1 of 1,614,136 alleles (0.000062%); highest among the groups gnomAD compares: Non-Finnish European, 0.000085%; no homozygotes.

Submission:

Labcorp Genetics (formerly Invitae), Labcorp
Classification: Uncertain significance. Last evaluated: 2022-02-17. Review status: criteria provided, single submitter. Criteria: Invitae Variant Classification Sherloc (09022015). Collection method: clinical testing. Allele origin: germline.
Comment: Algorithms developed to predict the effect of sequence changes on RNA splicing suggest that this variant is not likely to affect RNA splicing. This sequence change replaces glutamic acid, which is acidic and polar, with valine, which is neutral and non-polar, at codon 973 of the DLC1 protein (p.Glu973Val). This variant is not present in population databases (gnomAD no frequency). This variant has not been reported in the literature in individuals affected with DLC1-related conditions. Algorithms developed to predict the effect of missense changes on protein structure and function (SIFT, PolyPhen-2, Align-GVGD) all suggest that this variant is likely to be disruptive. In summary, the available evidence is currently insufficient to determine the role of this variant in disease. Therefore, it has been classified as a Variant of Uncertain Significance.

NM_182643.3(DLC1):c.2918A>T (p.Glu973Val)

Gene: DLC1 (DLC1 Rho GTPase activating protein; minus strand). Cytogenetic location: 8p22.
Variant type: single nucleotide variant.
Coding change: c.2918A>T on transcript NM_182643.3 (MANE Select); coding-DNA position 2918, A replaced by T.
Protein change: p.Glu973Val; replaces glutamic acid 973 with valine.
Molecular consequence: missense variant.
Genome position (GRCh38, 1-based): chr8:13,099,419, T>A on the plus strand (A>T on the coding strand, the complement: DLC1 is on the minus strand). VCF-style: chr8-13099419-T-A. GRCh37 (hg19) VCF-style: chr8-12956928-T-A.
Other names: c.1385A>T, p.Glu462Val (NM_001164271.2, NM_001348082.2, NM_001348083.1 and 6 more transcripts); c.1709A>T, p.Glu570Val (NM_001316668.2, NM_001413129.1); c.2918A>T, p.Glu973Val (NM_001348081.2, NM_001413124.1); c.1700A>T, p.Glu567Val (NM_001413130.1); c.1358A>T, p.Glu453Val (NM_001413131.1, NM_001413137.1); c.1844A>T, p.Glu615Val (NM_001413132.1); c.1607A>T, p.Glu536Val (NM_001413135.1, NM_001413136.1, NM_001413139.1 and 1 more transcripts); c.1742A>T, p.Glu581Val (NM_001413140.1); short protein forms E462V, E536V, E570V, E615V, E973V, E453V, E581V, E567V.
Identifiers: ClinVar variation 2098021 (VCV002098021.4), dbSNP rs2537061181, ClinGen allele CA370344088.